The following is an entry in ClinVar:

ClinVar aggregate classification (germline): Uncertain significance. Review status: criteria provided, multiple submitters, no conflicts (2 of 4 stars). 3 submissions from 3 submitters: Uncertain significance (3). Last evaluated 2026-10-01.

Conditions:
Cardiovascular phenotype. Identifiers: MedGen CN230736.
Noonan syndrome 9 (NS9). Identifiers: Orphanet 648, MedGen C4225282, MONDO:0014691, OMIM 616559.

Allele frequency attached by ClinVar (database versions not stated): TOPMed below 0.00001; gnomAD 0.00001; ExAC 0.00002; gnomAD exomes 0.00003.
gnomAD v4.1: 37 of 1,481,564 alleles (0.0025%); highest among the groups gnomAD compares: Non-Finnish European, 0.0031%; no homozygotes.

Submissions (3):

St. Jude Molecular Pathology, St. Jude Children's Research Hospital
Classification: Uncertain significance for Noonan syndrome 9. Last evaluated: 2026-10-01. Review status: criteria provided, single submitter. Criteria: St. Jude Assertion Criteria 2020. Collection method: clinical testing. Allele origin: germline.
Comment: The SO S2 c.2657A>G p.(His886Arg) missense change has a maximum subpopulation frequency of 0.005% in gnomAD v2.1.1. The in silico tool REVEL predicts a benign effect on protein function, but to our knowledge this prediction has not been confirmed by functional studies. To our knowledge, this variant has not been reported in individuals with Noonan syndrome. In summary, the evidence currently available is insufficient to determine the clinical significance of this variant. I t has therefore been classified as of uncertain significance.

Labcorp Genetics (formerly Invitae), Labcorp
Classification: Uncertain significance for Noonan syndrome 9. Last evaluated: 2025-11-18. Review status: criteria provided, single submitter. Criteria: Invitae Variant Classification Sherloc (09022015). Collection method: clinical testing. Allele origin: germline.
Comment: This sequence change replaces histidine, which is basic and polar, with arginine, which is basic and polar, at codon 886 of the SOS2 protein (p.His886Arg). This variant is present in population databases (rs775815870, gnomAD 0.005%). This variant has not been reported in the literature in individuals affected with SOS2-related conditions. ClinVar contains an entry for this variant (Variation ID: 1042185). Invitae Evidence Modeling of protein sequence and biophysical properties (such as structural, functional, and spatial information, amino acid conservation, physicochemical variation, residue mobility, and thermodynamic stability) has been performed for this missense variant. However, the output from this modeling did not meet the statistical confidence thresholds required to predict the impact of this variant on SOS2 protein function. In summary, the available evidence is currently insufficient to determine the role of this variant in disease. Therefore, it has been classified as a Variant of Uncertain Significance.

Ambry Genetics
Classification: Uncertain significance for Cardiovascular phenotype. Last evaluated: 2025-08-12. Review status: criteria provided, single submitter. Criteria: Ambry Variant Classification Scheme 2023. Collection method: clinical testing. Allele origin: germline.
Comment: The p.H886R variant (also known as c.2657A>G), located in coding exon 16 of the SOS2 gene, results from an A to G substitution at nucleotide position 2657. The histidine at codon 886 is replaced by arginine, an amino acid with highly similar properties. This amino acid position is conserved. In addition, the in silico prediction for this alteration is inconclusive. Based on the available evidence, the clinical significance of this variant remains unclear.

NM_006939.4(SOS2):c.2657A>G (p.His886Arg)

Gene: SOS2 (SOS Ras/Rho guanine nucleotide exchange factor 2; minus strand). Cytogenetic location: 14q21.3.
Variant type: single nucleotide variant.
Coding change: c.2657A>G on transcript NM_006939.4 (MANE Select); coding-DNA position 2657, A replaced by G.
Protein change: p.His886Arg; replaces histidine 886 with arginine.
Molecular consequence: missense variant.
Genome position (GRCh38, 1-based): chr14:50,145,180, T>C on the plus strand (A>G on the coding strand, the complement: SOS2 is on the minus strand). VCF-style: chr14-50145180-T-C. GRCh37 (hg19) VCF-style: chr14-50611898-T-C.
Other names: c.2657A>G (NM_006939.2); short protein forms H886R.
Identifiers: ClinVar variation 1042185 (VCV001042185.10), dbSNP rs775815870, ClinGen allele CA7176994.